The following is an entry in ClinVar:

NM_015294.6(TRIM37):c.2372_2381del (p.Gln791fs)

Gene: TRIM37 (tripartite motif containing 37; minus strand). Cytogenetic location: 17q22.
Variant type: Deletion.
Coding change: c.2372_2381del on transcript NM_015294.6 (MANE Select); coding-DNA positions 2372 to 2381, 10 bases deleted (AGACTCTGTC; older notation c.2372_2381delAGACTCTGTC).
Protein change: p.Gln791fs; shifts the reading frame from glutamine 791.
Molecular consequence: frameshift variant. On other transcripts: non-coding transcript variant (2).
Genome position (GRCh38, 1-based): chr17:59,017,301-59,017,310, GACAGAGTCT deleted on the plus strand (AGACTCTGTC on the coding strand, the reverse complement: TRIM37 is on the minus strand); deleting any 10 consecutive bases within chr17:59,017,301-59,017,315 gives the same sequence; the c. name uses the placement nearest the transcript's 3' end. VCF-style (leftmost placement, unchanged base first): chr17-59017300-AGACAGAGTCT-A. GRCh37 (hg19) VCF-style: chr17-57094661-AGACAGAGTCT-A.
Other names: c.2372_2381del, p.Gln791fs (NM_001005207.5, NM_001320988.3, NM_001320989.3 and 1 more transcripts); c.2270_2279del, p.Gln757fs (NM_001320987.3, NM_001353082.2); c.2006_2015del, p.Gln669fs (NM_001320990.3); c.1637_1646del, p.Gln546fs (NM_001353083.2); c.1910_1919del, p.Gln637fs (NM_001353085.2); c.2321_2330del, p.Gln774fs (NM_001353086.2); short protein forms Q546fs, Q757fs, Q669fs, Q774fs, Q637fs, Q791fs.
Identifiers: ClinVar variation 2845486 (VCV002845486.3), dbSNP rs2544996596, ClinGen allele CA2739268275.

ClinVar aggregate classification (germline): Pathogenic (1 of 4 stars; one submission).

Submission:

Labcorp Genetics (formerly Invitae), Labcorp
Classification: Pathogenic. Last evaluated: 2023-03-13. Review status: criteria provided, single submitter. Criteria: Invitae Variant Classification Sherloc (09022015). Collection method: clinical testing. Allele origin: germline.
Comment: For these reasons, this variant has been classified as Pathogenic. This sequence change creates a premature translational stop signal (p.Gln791Leufs*20) in the TRIM37 gene. It is expected to result in an absent or disrupted protein product. Loss-of-function variants in TRIM37 are known to be pathogenic (PMID: 10888877, 15108285). This variant is not present in population databases (gnomAD no frequency). This variant has not been reported in the literature in individuals affected with TRIM37-related conditions.

Literature cited by the submitters: PubMed 10888877; PubMed 15108285.